The following is an entry in ClinVar:

NM_015937.6(PIGT):c.1127A>C (p.His376Pro)

Gene: PIGT (phosphatidylinositol glycan anchor biosynthesis class T; plus strand). Cytogenetic location: 20q13.12.
Variant type: single nucleotide variant.
Coding change: c.1127A>C on transcript NM_015937.6 (MANE Select); coding-DNA position 1127, A replaced by C.
Protein change: p.His376Pro; replaces histidine 376 with proline.
Molecular consequence: missense variant. On other transcripts: non-coding transcript variant (5), intron variant (1).
Genome position (GRCh38, 1-based): chr20:45,421,476, A>C. VCF-style: chr20-45421476-A-C. GRCh37 (hg19) VCF-style: chr20-44050116-A-C.
Other names: c.1127A>C (NM_015937.5); c.959A>C, p.His320Pro (NM_001184728.3); c.821A>C, p.His274Pro (NM_001184730.3); c.1033+783A>C (NM_001184729.3); short protein forms H376P, H320P, H274P.
Identifiers: ClinVar variation 916462 (VCV000916462.46), dbSNP rs779442458, ClinGen allele CA9878171.

ClinVar aggregate classification (germline): Uncertain significance. Review status: criteria provided, multiple submitters, no conflicts (2 of 4 stars). 5 submissions from 5 submitters: Uncertain significance (5). Last evaluated 2026-05-21.

Conditions:
Multiple congenital anomalies-hypotonia-seizures syndrome 3 (MCAHS3). Also called: GLYCOSYLPHOSPHATIDYLINOSITOL BIOSYNTHESIS DEFECT 7. Identifiers: Orphanet 369837, MedGen C3809356, MONDO:0014165, OMIM 615398.

Allele frequency attached by ClinVar (database versions not stated): gnomAD exomes 0.00001 and 0.00004; ExAC 0.00003; gnomAD 0.00011 and 0.00013; TOPMed 0.00019.
gnomAD v4.1: 34 of 1,613,892 alleles (0.0021%); highest among the groups gnomAD compares: African/African-American, 0.036%; no homozygotes.

Submissions (5):

GeneDx
Classification: Uncertain significance. Last evaluated: 2026-05-21. Review status: criteria provided, single submitter. Criteria: GeneDx Variant Classification Process June 2021. Collection method: clinical testing. Allele origin: germline.
Comment: Observed with a second PIGT variant in an individual with developmental delay, but it is not known whether the variants occurred on the same (in cis) or on different (in trans) chromosomes (PMID: 34046058); In silico analysis supports that this missense variant has a deleterious effect on protein structure/function; This variant is associated with the following publications: (PMID: 34046058)

Blueprint Genetics
Classification: Uncertain significance. Last evaluated: 2024-10-02. Review status: criteria provided, single submitter. Criteria: ACMG Guidelines, 2015. Collection method: clinical testing. Allele origin: germline.

Genomic Medicine Center of Excellence, King Faisal Specialist Hospital and Research Centre
Classification: Uncertain significance for Multiple congenital anomalies-hypotonia-seizures syndrome 3. Last evaluated: 2024-04-04. Review status: criteria provided, single submitter. Criteria: ACMG Guidelines, 2015. Collection method: clinical testing. Allele origin: germline.

Labcorp Genetics (formerly Invitae), Labcorp
Classification: Uncertain significance for Multiple congenital anomalies-hypotonia-seizures syndrome 3. Last evaluated: 2023-08-10. Review status: criteria provided, single submitter. Criteria: Invitae Variant Classification Sherloc (09022015). Collection method: clinical testing. Allele origin: germline.
Comment: This missense change has been observed in individual(s) with PIGT deficiency (PMID: 34046058). In summary, the available evidence is currently insufficient to determine the role of this variant in disease. Therefore, it has been classified as a Variant of Uncertain Significance. Advanced modeling of protein sequence and biophysical properties (such as structural, functional, and spatial information, amino acid conservation, physicochemical variation, residue mobility, and thermodynamic stability) performed at Invitae indicates that this missense variant is expected to disrupt PIGT protein function. ClinVar contains an entry for this variant (Variation ID: 916462). This variant is present in population databases (rs779442458, gnomAD 0.04%). This sequence change replaces histidine, which is basic and polar, with proline, which is neutral and non-polar, at codon 376 of the PIGT protein (p.His376Pro).

CeGaT Center for Human Genetics Tuebingen
Classification: Uncertain significance. Last evaluated: 2020-03-01. Review status: criteria provided, single submitter. Criteria: CeGaT Center For Human Genetics Tuebingen Variant Classification Criteria Version 2. Collection method: clinical testing. Allele origin: germline. Affected: yes. Observed: 1 variant allele.

Literature cited by the submitters: PubMed 34046058 (cited by Labcorp Genetics (formerly Invitae), Labcorp).